The following is an entry in ClinVar:

ClinVar aggregate classification (germline): Uncertain significance. Review status: criteria provided, multiple submitters, no conflicts (2 of 4 stars). 6 submissions from 6 submitters: Uncertain significance (6). Last evaluated 2025-10-15.

Conditions:
Charcot-Marie-Tooth disease type 4. Also called: Charcot-Marie-Tooth, Type 4; Charcot-Marie-Tooth disease, type IV. Identifiers: Orphanet 64749, MedGen C4082197, MONDO:0018995.
Inborn genetic diseases. Identifiers: MedGen C0950123, MeSH D030342.

Allele frequency attached by ClinVar (database versions not stated): ESP Exome Variant Server 0.00008; TOPMed 0.00010.
gnomAD v4.1: 206 of 1,606,210 alleles (0.013%); highest among the groups gnomAD compares: Non-Finnish European, 0.016%; no homozygotes.

Submissions (6):

Women's Health and Genetics/Laboratory Corporation of America, LabCorp
Classification: Uncertain significance. Last evaluated: 2025-10-15. Review status: criteria provided, single submitter. Criteria: LabCorp Variant Classification Summary - May 2015. Collection method: clinical testing. Allele origin: germline.
Comment: Variant summary: PRX c.104C>A (p.Ala35Glu) results in a non-conservative amino acid change in the encoded protein sequence. Algorithms developed to predict the effect of missense changes on protein structure and function are either unavailable or do not agree on the potential impact of this missense change. The variant allele was found at a frequency of 5.5e-05 in 235032 control chromosomes. This frequency is not significantly higher than estimated for disease-causing variants in PRX, allowing no conclusion about variant significance. To our knowledge, no occurrence of c.104C>A in individuals affected with PRX-related conditions and no experimental evidence demonstrating its impact on protein function have been reported. ClinVar contains an entry for this variant (Variation ID: 805246). Based on the evidence outlined above, the variant was classified as uncertain significance.

Ambry Genetics
Classification: Uncertain significance for Inborn genetic diseases. Last evaluated: 2025-01-14. Review status: criteria provided, single submitter. Criteria: Ambry Variant Classification Scheme 2023. Collection method: clinical testing. Allele origin: germline.

CeGaT Center for Human Genetics Tuebingen
Classification: Uncertain significance. Last evaluated: 2024-06-01. Review status: criteria provided, single submitter. Criteria: CeGaT Center For Human Genetics Tuebingen Variant Classification Criteria Version 2. Collection method: clinical testing. Allele origin: germline. Affected: yes. Observed: 1 variant allele.
Comment: PRX: PM2

Mayo Clinic Laboratories, Mayo Clinic
Classification: Uncertain significance. Last evaluated: 2023-10-17. Review status: criteria provided, single submitter. Criteria: ACMG Guidelines, 2015. Collection method: clinical testing. Allele origin: germline. Observed: 1 variant allele.
Comment: BP4

Labcorp Genetics (formerly Invitae), Labcorp
Classification: Uncertain significance for Charcot-Marie-Tooth disease type 4. Last evaluated: 2022-10-26. Review status: criteria provided, single submitter. Criteria: Invitae Variant Classification Sherloc (09022015). Collection method: clinical testing. Allele origin: germline.
Comment: This sequence change replaces alanine, which is neutral and non-polar, with glutamic acid, which is acidic and polar, at codon 35 of the PRX protein (p.Ala35Glu). This variant is present in population databases (rs138047753, gnomAD 0.01%). This variant has not been reported in the literature in individuals affected with PRX-related conditions. ClinVar contains an entry for this variant (Variation ID: 805246). Algorithms developed to predict the effect of missense changes on protein structure and function are either unavailable or do not agree on the potential impact of this missense change (SIFT: "Tolerated"; PolyPhen-2: "Possibly Damaging"; Align-GVGD: "Class C0"). In summary, the available evidence is currently insufficient to determine the role of this variant in disease. Therefore, it has been classified as a Variant of Uncertain Significance.

Athena Diagnostics
Classification: Uncertain significance. Last evaluated: 2019-07-16. Review status: criteria provided, single submitter. Criteria: Athena Diagnostics Criteria. Collection method: clinical testing. Allele origin: germline.

NM_181882.3(PRX):c.104C>A (p.Ala35Glu)

Genes: PRX (periaxin; minus strand), LOC130064454 (ATAC-STARR-seq lymphoblastoid active region 14650; plus strand). Cytogenetic location: 19q13.2.
Variant type: single nucleotide variant.
Coding change: c.104C>A on transcript NM_181882.3 (MANE Select); coding-DNA position 104, C replaced by A.
Protein change: p.Ala35Glu; replaces alanine 35 with glutamic acid.
Molecular consequence: missense variant.
Genome position (GRCh38, 1-based): chr19:40,403,786, G>T on the plus strand (C>A on the coding strand, the complement: PRX is on the minus strand). VCF-style: chr19-40403786-G-T. GRCh37 (hg19) VCF-style: chr19-40909693-G-T.
Other names: p.Ala35Glu; c.104C>A, p.Ala35Glu (NM_020956.2); short protein forms A35E.
Identifiers: ClinVar variation 805246 (VCV000805246.29), dbSNP rs138047753, ClinGen allele CA9444586.